The following is an entry in ClinVar:

ClinVar aggregate classification (germline): Likely pathogenic (1 of 4 stars; one submission).

Conditions:
Charcot-Marie-Tooth disease type 4. Also called: Charcot-Marie-Tooth disease, type IV; Charcot-Marie-Tooth, Type 4. Identifiers: Orphanet 64749, MedGen C4082197, MONDO:0018995.

Submission:

Labcorp Genetics (formerly Invitae), Labcorp
Classification: Likely pathogenic for Charcot-Marie-Tooth disease type 4. Last evaluated: 2022-12-21. Review status: criteria provided, single submitter. Criteria: Invitae Variant Classification Sherloc (09022015). Collection method: clinical testing. Allele origin: germline.
Comment: This sequence change affects a donor splice site in intron 13 of the NDRG1 gene. It is expected to disrupt RNA splicing. Variants that disrupt the donor or acceptor splice site typically lead to a loss of protein function (PMID: 16199547), and loss-of-function variants in NDRG1 are known to be pathogenic (PMID: 12872253, 23996628). This variant is not present in population databases (gnomAD no frequency). In summary, the currently available evidence indicates that the variant is pathogenic, but additional data are needed to prove that conclusively. Therefore, this variant has been classified as Likely Pathogenic. Algorithms developed to predict the effect of sequence changes on RNA splicing suggest that this variant may disrupt the consensus splice site. This variant has not been reported in the literature in individuals affected with NDRG1-related conditions.

Literature cited by the submitters: PubMed 16199547; PubMed 12872253; PubMed 23996628.

NM_006096.4(NDRG1):c.855+2T>C

Gene: NDRG1 (N-myc downstream regulated 1; minus strand). Cytogenetic location: 8q24.22.
Variant type: single nucleotide variant.
Coding change: c.855+2T>C on transcript NM_006096.4 (MANE Select); the canonical splice donor site of the intron after coding-DNA position 855, T replaced by C.
Molecular consequence: splice donor variant.
Genome position (GRCh38, 1-based): chr8:133,246,614, A>G on the plus strand (T>C on the coding strand, the complement: NDRG1 is on the minus strand). VCF-style: chr8-133246614-A-G. GRCh37 (hg19) VCF-style: chr8-134258857-A-G.
Other names: c.657+2T>C (NM_001258432.2, NM_001374847.1); c.612+2T>C (NM_001258433.2); c.906+2T>C (NM_001374844.1); c.855+2T>C (NM_001135242.2, NM_001374845.1, NM_001374846.1).
Identifiers: ClinVar variation 2126125 (VCV002126125.4), dbSNP rs2538018196, ClinGen allele CA372254900.
Genomic context (GRCh38, chr8:133,246,614, plus strand): 5'-CAGAAAACGTCTGAGAGTTTCTAAGAAATAACAAACACGAACCCCCACTGTTTTCCCTGT[A>G]CCTTGAGGAGAGTGGTCTTTGTTGGGTCCAATTTTGAGTTGCACTCCACCTGCACAAGAG-3'